The following is an entry in ClinVar:

ClinVar aggregate classification (germline): Likely benign (1 of 4 stars; one submission).

Conditions:
Melanoma, cutaneous malignant, susceptibility to, 3. Also called: Cutaneous malignant melanoma 3. Identifiers: Orphanet 618, MedGen C1836892, MONDO:0012183, OMIM 609048.

Submission:

Myriad Genetics, Inc.
Classification: Likely benign for Melanoma, cutaneous malignant, susceptibility to, 3. Last evaluated: 2024-09-26. Review status: criteria provided, single submitter. Criteria: Myriad Autosomal Dominant, Autosomal Recessive and X-Linked Classification Criteria (2023). Collection method: clinical testing. Allele origin: unknown.
Comment: This variant is considered likely benign. This variant is intronic and is not expected to impact mRNA splicing.

NM_000075.4(CDK4):c.684-17T>C

Genes: CDK4 (cyclin dependent kinase 4; minus strand), TSPAN31 (tetraspanin 31; plus strand). Cytogenetic location: 12q14.1.
Variant type: single nucleotide variant.
Coding change: c.684-17T>C on transcript NM_000075.4 (MANE Select); 17 bases into the intron before coding-DNA position 684, T replaced by C.
Molecular consequence: intron variant. On other transcripts: 3 prime UTR variant (3).
Genome position (GRCh38, 1-based): chr12:57,749,334, A>G on the plus strand (T>C on the coding strand, the complement: CDK4 is on the minus strand). VCF-style: chr12-57749334-A-G. GRCh37 (hg19) VCF-style: chr12-58143117-A-G.
Other names: c.*2044A>G (NM_001330168.2, NM_001330169.2, NM_005981.5).
Identifiers: ClinVar variation 3378641 (VCV003378641.1).